The following is an entry in ClinVar:

ClinVar aggregate classification (germline): Pathogenic. Review status: criteria provided, multiple submitters, no conflicts (2 of 4 stars). 2 submissions from 2 submitters: Pathogenic (2). Last evaluated 2021-04-13.

Conditions:
Intellectual developmental disorder, autosomal dominant 30, with speech delay and behavioral abnormalities. Also called: Intellectual disability, autosomal dominant 30. Identifiers: Orphanet 436151, MedGen C4015167, MONDO:0014486, OMIM 616083.

Submissions (2):

Institute of Human Genetics, University of Leipzig Medical Center
Classification: Pathogenic for Intellectual developmental disorder, autosomal dominant 30, with speech delay and behavioral abnormalities. Last evaluated: 2021-04-13. Review status: criteria provided, single submitter. Criteria: ACMG Guidelines, 2015. Collection method: clinical testing. Allele origin: de novo. Inheritance: Sporadic. Affected: yes.

GeneDx
Classification: Pathogenic. Last evaluated: 2017-09-19. Review status: criteria provided, single submitter. Criteria: GeneDx Variant Classification (06012015). Collection method: clinical testing. Allele origin: germline. Affected: yes.
Comment: The Q28X variant in the ZMYND11 gene has not been reported previously as a pathogenic variant nor as a benign variant, to our knowledge. This variant is predicted to cause loss of normal protein function either through protein truncation or nonsense-mediated mRNA decay. The Q28X variant is not observed in large population cohorts (Lek et al., 2016; 1000 Genomes Consortium et al., 2015; Exome Variant Server). We interpret Q28X as a pathogenic variant.

NM_001370100.5(ZMYND11):c.82C>T (p.Gln28Ter)

Gene: ZMYND11 (zinc finger MYND-type containing 11; plus strand). Cytogenetic location: 10p15.3.
Variant type: single nucleotide variant.
Coding change: c.82C>T on transcript NM_001370100.5 (MANE Select); coding-DNA position 82, C replaced by T.
Protein change: p.Gln28Ter; replaces glutamine 28 with a stop codon.
Molecular consequence: nonsense. On other transcripts: 5 prime UTR variant (3), non-coding transcript variant (1), intron variant (5).
Genome position (GRCh38, 1-based): chr10:180,094, C>T. VCF-style: chr10-180094-C-T. GRCh37 (hg19) VCF-style: chr10-226034-C-T.
Other names: c.82C>T, p.Gln28Ter (NM_001370101.2, NM_001370102.2, NM_001370103.2 and 24 more transcripts); c.-65C>T (NM_001370112.2, NM_001370123.2, NM_001330057.3); c.-4-29795C>T (NM_001370118.2, NM_001370121.2); c.51-29795C>T (NM_001370116.2, NM_001370120.2); c.-34+45202C>T (NM_001370124.3); short protein forms Q28*.
Identifiers: ClinVar variation 451936 (VCV000451936.3), dbSNP rs1554767754, ClinGen allele CA375841381.